The following is an entry in ClinVar:

NM_001374353.1(GLI2):c.3493C>T (p.Gln1165Ter)

Gene: GLI2 (GLI family zinc finger 2; plus strand). Cytogenetic location: 2q14.2.
Variant type: single nucleotide variant.
Coding change: c.3493C>T on transcript NM_001374353.1 (MANE Select); coding-DNA position 3493, C replaced by T.
Protein change: p.Gln1165Ter; replaces glutamine 1165 with a stop codon.
Molecular consequence: nonsense.
Genome position (GRCh38, 1-based): chr2:120,989,458, C>T. VCF-style: chr2-120989458-C-T. GRCh37 (hg19) VCF-style: chr2-121747034-C-T.
Other names: Gln1165Ter; p.Gln1165*; c.3544C>T, p.Gln1182Ter (NM_001371271.1, NM_005270.5); c.3118C>T, p.Gln1040Ter (NM_001374354.1); short protein forms Q1040*, Q1165*, Q1182*.
Identifiers: ClinVar variation 4073614 (VCV004073614.1).

ClinVar aggregate classification (germline): Likely pathogenic (1 of 4 stars; one submission).

Conditions:
Postaxial polydactyly-anterior pituitary anomalies-facial dysmorphism syndrome. Also called: Culler-Jones syndrome. Identifiers: Orphanet 420584, MedGen C4014479, MONDO:0014369, OMIM 615849.

Submission:

Molecular Genetics and NGS Laboratory, Hospital Fundacion Valle Del Lili
Classification: Likely pathogenic for Postaxial polydactyly-anterior pituitary anomalies-facial dysmorphism syndrome. Last evaluated: 2025-08-10. Review status: criteria provided, single submitter. Criteria: ACMG Guidelines, 2015. Collection method: clinical testing. Allele origin: unknown. Inheritance: Autosomal dominant inheritance. Affected: yes. Observed: 1 heterozygote.
Comment: The variant was classified as likely pathogenic according to the American College of Medical Genetics and Genomics (ACMG) criteria PVS1 and PM2. The variant was confirmed by Sanger sequencing, and segregation analysis in the parents is pending: - PVS1: Null variant (nonsense) in gene GLI2, not predicted to cause NMD. Loss-of-function is a known mechanism of disease (gene has 80 reported pathogenic LOF variants). The exon affects 1 functional domain: UniProt protein GLI2_HUMAN region of interest 'Disordered'. - PM2: Variant not found in gnomAD genomes, good gnomAD genomes coverage = 34.9. Variant not found in gnomAD exomes, good gnomAD exomes coverage = 84.1.